The following is an entry in ClinVar:

ClinVar aggregate classification (germline): Uncertain significance (1 of 4 stars; one submission).

Submission:

Labcorp Genetics (formerly Invitae), Labcorp
Classification: Uncertain significance. Last evaluated: 2023-03-01. Review status: criteria provided, single submitter. Criteria: Invitae Variant Classification Sherloc (09022015). Collection method: clinical testing. Allele origin: germline.
Comment: In summary, the available evidence is currently insufficient to determine the role of this variant in disease. Therefore, it has been classified as a Variant of Uncertain Significance. An algorithm developed to predict the effect of missense changes on protein structure and function (PolyPhen-2) suggests that this variant is likely to be tolerated. This variant has not been reported in the literature in individuals affected with MSH3-related conditions. This variant is not present in population databases (gnomAD no frequency). This sequence change replaces arginine, which is basic and polar, with isoleucine, which is neutral and non-polar, at codon 159 of the MSH3 protein (p.Arg159Ile).

NM_002439.5(MSH3):c.476G>T (p.Arg159Ile)

Gene: MSH3 (mutS homolog 3; plus strand). Cytogenetic location: 5q14.1.
Variant type: single nucleotide variant.
Coding change: c.476G>T on transcript NM_002439.5 (MANE Select); coding-DNA position 476, G replaced by T.
Protein change: p.Arg159Ile; replaces arginine 159 with isoleucine.
Molecular consequence: missense variant.
Genome position (GRCh38, 1-based): chr5:80,665,260, G>T. VCF-style: chr5-80665260-G-T. GRCh37 (hg19) VCF-style: chr5-79961079-G-T.
Other names: short protein forms R159I.
Identifiers: ClinVar variation 2965027 (VCV002965027.3), dbSNP rs957233749, ClinGen allele CA360263699.